The following is an entry in ClinVar:

NM_005343.4(HRAS):c.403C>T (p.Arg135Ter)

Genes: HRAS (HRas proto-oncogene, GTPase; minus strand), LRRC56 (leucine rich repeat containing 56; plus strand). Cytogenetic location: 11p15.5.
Variant type: single nucleotide variant.
Coding change: c.403C>T on transcript NM_005343.4 (MANE Select); coding-DNA position 403, C replaced by T.
Protein change: p.Arg135Ter; replaces arginine 135 with a stop codon.
Molecular consequence: nonsense. On other transcripts: synonymous variant (1).
Genome position (GRCh38, 1-based): chr11:533,500, G>A on the plus strand (C>T on the coding strand, the complement: HRAS is on the minus strand). VCF-style: chr11-533500-G-A. GRCh37 (hg19) VCF-style: chr11-533500-G-A.
Other names: c.403C>T, p.Arg135Ter (NM_001130442.3, NM_176795.5); c.84C>T, p.Pro28= (NM_001318054.2); short protein forms R135*.
Identifiers: ClinVar variation 2161363 (VCV002161363.5), dbSNP rs772211333, ClinGen allele CA5779316.

ClinVar aggregate classification (germline): Conflicting classifications of pathogenicity. Review status: criteria provided, conflicting classifications (1 of 4 stars). 2 submissions from 2 submitters: Likely pathogenic (1); Uncertain significance (1). Last evaluated 2024-04-10.

Conditions:
HRAS-related disorders.
Costello syndrome (CSTLO). Also called: HRAS-Related Costello Syndrome; FACIOCUTANEOSKELETAL SYNDROME; FCS SYNDROME. Identifiers: Orphanet 3071, MedGen C0587248, MONDO:0009026, OMIM 218040.

Allele frequency attached by ClinVar (database versions not stated): ExAC 0.00001; gnomAD 0.00001.
gnomAD v4.1: 4 of 1,613,488 alleles (0.00025%); highest among the groups gnomAD compares: South Asian, 0.0011%; no homozygotes.

Submissions (2):

Labcorp Genetics (formerly Invitae), Labcorp
Classification: Uncertain significance for Costello syndrome. Last evaluated: 2024-04-10. Review status: criteria provided, single submitter. Criteria: Invitae Variant Classification Sherloc (09022015). Collection method: clinical testing. Allele origin: germline.
Comment: This sequence change creates a premature translational stop signal (p.Arg135*) in the HRAS gene. It is expected to result in an absent or disrupted protein product. However, the current clinical and genetic evidence is not sufficient to establish whether loss-of-function variants in HRAS cause disease. This variant is present in population databases (rs772211333, gnomAD 0.0009%). This variant has not been reported in the literature in individuals affected with HRAS-related conditions. ClinVar contains an entry for this variant (Variation ID: 2161363). Experimental studies and prediction algorithms are not available or were not evaluated, and the functional significance of this variant is currently unknown. In summary, the available evidence is currently insufficient to determine the role of this variant in disease. Therefore, it has been classified as a Variant of Uncertain Significance.

Blueprint Genetics
Classification: Likely pathogenic for HRAS-related disorders. Last evaluated: 2021-06-22. Review status: criteria provided, single submitter. Criteria: ACMG Guidelines, 2015. Collection method: clinical testing. Allele origin: germline. Affected: yes. Observed: 1 variant allele.